The following is an entry in ClinVar:

ClinVar aggregate classification (germline): Uncertain significance (1 of 4 stars; one submission).

Conditions:
Fabry disease. Also called: Fabry's disease; ALPHA-GALACTOSIDASE A DEFICIENCY; ANDERSON-FABRY DISEASE; CERAMIDE TRIHEXOSIDASE DEFICIENCY; GLA DEFICIENCY; HEREDITARY DYSTOPIC LIPIDOSIS. Identifiers: Orphanet 324, MedGen C0002986, MONDO:0010526, OMIM 301500, HP:0001071. Disease mechanism: Fabry disease is due to inactivating mutations in the X-linked GLA gene resulting in deficiency of the enzyme Alpha Galactosidase-A., loss of function.

Submission:

Labcorp Genetics (formerly Invitae), Labcorp
Classification: Uncertain significance for Fabry disease. Last evaluated: 2024-04-25. Review status: criteria provided, single submitter. Criteria: Invitae Variant Classification Sherloc (09022015). Collection method: clinical testing. Allele origin: germline.
Comment: This sequence change replaces glutamine, which is neutral and polar, with arginine, which is basic and polar, at codon 416 of the GLA protein (p.Gln416Arg). This variant is not present in population databases (gnomAD no frequency). This variant has not been reported in the literature in individuals affected with GLA-related conditions. Advanced modeling of protein sequence and biophysical properties (such as structural, functional, and spatial information, amino acid conservation, physicochemical variation, residue mobility, and thermodynamic stability) performed at Invitae indicates that this missense variant is not expected to disrupt GLA protein function with a negative predictive value of 80%. In summary, the available evidence is currently insufficient to determine the role of this variant in disease. Therefore, it has been classified as a Variant of Uncertain Significance.

NM_000169.3(GLA):c.1247A>G (p.Gln416Arg)

Genes: GLA (galactosidase alpha; minus strand), RPL36A-HNRNPH2 (RPL36A-HNRNPH2 readthrough; plus strand). Cytogenetic location: Xq22.1.
Variant type: single nucleotide variant.
Coding change: c.1247A>G on transcript NM_000169.3 (MANE Select); coding-DNA position 1247, A replaced by G.
Protein change: p.Gln416Arg; replaces glutamine 416 with arginine.
Molecular consequence: missense variant. On other transcripts: non-coding transcript variant (3), intron variant (2).
Genome position (GRCh38, 1-based): chrX:101,397,852, T>C on the plus strand (A>G on the coding strand, the complement: GLA is on the minus strand). VCF-style: chrX-101397852-T-C. GRCh37 (hg19) VCF-style: chrX-100652840-T-C.
Other names: c.1370A>G, p.Gln457Arg (NM_001406747.1); c.300+2395T>C (NM_001199973.2); c.177+6030T>C (NM_001199974.2); short protein forms Q416R, Q457R.
Identifiers: ClinVar variation 3644919 (VCV003644919.2).
Genomic context (GRCh38, chrX:101,397,852, plus strand): 5'-GCAATAAAATAAACATTTTAAAGTAAGTCTTTTAATGACATCTGCATTGTATTTTCTAGC[T>C]GAAGCAAAACAGTGCCTGTGGGATTTATGTGACTTCTTAACCTTGAAGTCCATTCATAGA-3'
Protein context (NP_000160.1, residues 406-426): HINPTGTVLL[Gln416Arg]LENTMQMSLK